The following is an entry in ClinVar:

NM_177438.3(DICER1):c.4838A>T (p.Gln1613Leu)

Gene: DICER1 (dicer 1, ribonuclease III; minus strand). Cytogenetic location: 14q32.13.
Variant type: single nucleotide variant.
Coding change: c.4838A>T on transcript NM_177438.3 (MANE Select); coding-DNA position 4838, A replaced by T.
Protein change: p.Gln1613Leu; replaces glutamine 1613 with leucine.
Molecular consequence: missense variant.
Genome position (GRCh38, 1-based): chr14:95,096,082, T>A on the plus strand (A>T on the coding strand, the complement: DICER1 is on the minus strand). VCF-style: chr14-95096082-T-A. GRCh37 (hg19) VCF-style: chr14-95562419-T-A.
Other names: c.4838A>T, p.Gln1613Leu (NM_001195573.1, NM_001271282.3, NM_001291628.2 and 1 more transcripts); short protein forms Q1613L.
Identifiers: ClinVar variation 483406 (VCV000483406.20), dbSNP rs775024028, ClinGen allele CA390866829.
Genomic context (GRCh38, chr14:95,096,082, plus strand): 5'-ACAGAAGAGCGTGAACTGGCCACAGAAGCAGCAGCACAGCTCACTGAAAGGTTCTTTTGT[T>A]GGCTGTTGAAATTCTCCCGAGTAGGGCACAGGGCCTTTTCCCGATCAGTCCTTTTAATTA-3'
Protein context (NP_803187.1, residues 1603-1623): LCPTRENFNS[Gln1613Leu]QKNLSVSCAA

ClinVar aggregate classification (germline): Uncertain significance. Review status: criteria provided, multiple submitters, no conflicts (2 of 4 stars). 5 submissions from 5 submitters: Uncertain significance (4). 1 of the submissions does not count toward it. Last evaluated 2025-11-13.

Conditions:
DICER1-related tumor predisposition. Also called: DICER1-related pleuropulmonary blastoma cancer predisposition syndrome; DICER1 syndrome. Identifiers: Orphanet 284343, MedGen C3839822, MONDO:0100216.
DICER1-related disorder. Also called: DICER1-related condition.
Global developmental delay - lung cysts - overgrowth - Wilms tumor syndrome. Also called: GLOBAL DEVELOPMENTAL DELAY, LUNG CYSTS, OVERGROWTH, AND WILMS TUMOR; GLOW Syndrome. Identifiers: Orphanet 404476, MedGen C4748924, MONDO:0018445, OMIM 618272.
Hereditary cancer-predisposing syndrome. Also called: Hereditary neoplastic syndrome; Neoplastic Syndromes, Hereditary; Tumor predisposition; Hereditary Cancer Syndrome. Identifiers: Orphanet 140162, MedGen C0027672, MeSH D009386, MONDO:0015356.

Allele frequency attached by ClinVar (database versions not stated): TOPMed below 0.00001.
gnomAD v4.1: 12 of 1,614,236 alleles (0.00074%); highest among the groups gnomAD compares: Non-Finnish European, 0.00093%; no homozygotes.

Submissions (5):

Labcorp Genetics (formerly Invitae), Labcorp
Classification: Uncertain significance for DICER1-related tumor predisposition. Last evaluated: 2025-11-13. Review status: criteria provided, single submitter. Criteria: Invitae Variant Classification Sherloc (09022015). Collection method: clinical testing. Allele origin: germline.
Comment: This sequence change replaces glutamine, which is neutral and polar, with leucine, which is neutral and non-polar, at codon 1613 of the DICER1 protein (p.Gln1613Leu). This variant is present in population databases (no rsID available, gnomAD 0.0009%). This variant has not been reported in the literature in individuals affected with DICER1-related conditions. ClinVar contains an entry for this variant (Variation ID: 483406). Invitae Evidence Modeling of protein sequence and biophysical properties (such as structural, functional, and spatial information, amino acid conservation, physicochemical variation, residue mobility, and thermodynamic stability) indicates that this missense variant is not expected to disrupt DICER1 protein function with a negative predictive value of 95%. In summary, the available evidence is currently insufficient to determine the role of this variant in disease. Therefore, it has been classified as a Variant of Uncertain Significance.

Ambry Genetics
Classification: Uncertain significance for Hereditary cancer-predisposing syndrome. Last evaluated: 2024-09-09. Review status: criteria provided, single submitter. Criteria: Ambry Variant Classification Scheme 2023. Collection method: clinical testing. Allele origin: germline.
Comment: The p.Q1613L variant (also known as c.4838A>T), located in coding exon 22 of the DICER1 gene, results from an A to T substitution at nucleotide position 4838. The glutamine at codon 1613 is replaced by leucine, an amino acid with dissimilar properties. This amino acid position is well conserved in available vertebrate species. In addition, the in silico prediction for this alteration is inconclusive. Since supporting evidence is limited at this time, the clinical significance of this alteration remains unclear.

GeneDx
Classification: Uncertain significance. Last evaluated: 2024-01-08. Review status: criteria provided, single submitter. Criteria: GeneDx Variant Classification Process June 2021. Collection method: clinical testing. Allele origin: germline. Affected: yes.
Comment: Not observed at significant frequency in large population cohorts (gnomAD); In silico analysis supports that this missense variant does not alter protein structure/function; Has not been previously published as pathogenic or benign to our knowledge

Baylor Genetics
Classification: Uncertain significance for Global developmental delay - lung cysts - overgrowth - Wilms tumor syndrome. Last evaluated: 2023-11-16. Review status: criteria provided, single submitter. Criteria: ACMG Guidelines, 2015. Collection method: clinical testing. Allele origin: unknown.

PreventionGenetics, part of Exact Sciences
Classification: Uncertain significance for DICER1-related condition. Last evaluated: 2024-02-19. Review status: no assertion criteria provided. Collection method: clinical testing. Allele origin: germline. Not counted in ClinVar's aggregate classification.
Comment: The DICER1 c.4838A>T variant is predicted to result in the amino acid substitution p.Gln1613Leu. To our knowledge, this variant has not been reported in the literature. This variant is reported in 0.00088% of alleles in individuals of European (Non-Finnish) descent in gnomAD, indicating it is rare. This variant is interpreted as uncertain in ClinVar. At this time, the clinical significance of this variant is uncertain due to the absence of conclusive functional and genetic evidence.